The following is an entry in ClinVar:

ClinVar aggregate classification (germline): Uncertain significance. Review status: criteria provided, multiple submitters, no conflicts (2 of 4 stars). 4 submissions from 4 submitters: Uncertain significance (4). Last evaluated 2026-06-17.

Conditions:
MYPN-related disorder. Also called: MYPN-related condition.
MYPN-related myopathy (CMYO24). Also called: Nemaline myopathy 11, autosomal recessive. Identifiers: MedGen C4479186, MONDO:0015023, OMIM 617336.
Dilated cardiomyopathy 1KK (CMD1KK). Identifiers: Orphanet 154, Orphanet 75249, MedGen C3714995, MONDO:0014100, OMIM 615248.
Cardiovascular phenotype. Identifiers: MedGen CN230736.

Allele frequency attached by ClinVar (database versions not stated): TOPMed 0.00001.
gnomAD v4.1: 30 of 1,614,182 alleles (0.0019%); highest among the groups gnomAD compares: Non-Finnish European, 0.0025%; no homozygotes.

Submissions (4):

PreventionGenetics, part of Exact Sciences
Classification: Uncertain significance for MYPN-related condition. Last evaluated: 2026-06-17. Review status: criteria provided, single submitter. Criteria: ACMG Guidelines, 2015. Collection method: clinical testing. Allele origin: germline.
Comment: The MYPN c.2503C>A variant is predicted to result in the amino acid substitution p.Pro835Thr. This variant has been reported in an individual with dilated cardiomyopathy (Table S3, Mazzarotto et al. 2020. PubMed ID: 31983221) and in a pediatric case with cardiomyopathy (Supplemental Data, Ware et al. 2022. PubMed ID: 35026164). This variant has not been reported in a large population database (gnomAD), indicating this variant is rare. This variant is interpreted as uncertain in ClinVar (Variation ID: 581056). At this time, the clinical significance of this variant is uncertain due to the absence of conclusive functional and genetic evidence.

Ambry Genetics
Classification: Uncertain significance for Cardiovascular phenotype. Last evaluated: 2025-04-07. Review status: criteria provided, single submitter. Criteria: Ambry Variant Classification Scheme 2023. Collection method: clinical testing. Allele origin: germline.
Comment: The p.P835T variant (also known as c.2503C>A), located in coding exon 10 of the MYPN gene, results from a C to A substitution at nucleotide position 2503. The proline at codon 835 is replaced by threonine, an amino acid with highly similar properties. This alteration has been reported in a dilated cardiomyopathy (DCM) cohort and a pediatric cardiomyopathy cohort (Mazzarotto F et al. Circulation, 2020 02;141:387-398; Ware SM et al. Am J Hum Genet, 2022 Feb;109:282-298). This amino acid position is highly conserved in available vertebrate species. In addition, this alteration is predicted to be deleterious by in silico analysis. Since supporting evidence is limited at this time, the clinical significance of this alteration remains unclear.

Fulgent Genetics
Classification: Uncertain significance for Dilated cardiomyopathy 1KK; MYPN-related myopathy. Last evaluated: 2021-12-08. Review status: criteria provided, single submitter. Criteria: ACMG Guidelines, 2015. Collection method: clinical testing. Allele origin: unknown.

Labcorp Genetics (formerly Invitae), Labcorp
Classification: Uncertain significance for Dilated cardiomyopathy 1KK. Last evaluated: 2021-08-26. Review status: criteria provided, single submitter. Criteria: Invitae Variant Classification Sherloc (09022015). Collection method: clinical testing. Allele origin: germline.
Comment: This sequence change replaces proline with threonine at codon 835 of the MYPN protein (p.Pro835Thr). The proline residue is highly conserved and there is a small physicochemical difference between proline and threonine. This variant is not present in population databases (ExAC no frequency). This variant has not been reported in the literature in individuals affected with MYPN-related conditions. Algorithms developed to predict the effect of missense changes on protein structure and function are either unavailable or do not agree on the potential impact of this missense change (SIFT: "Tolerated"; PolyPhen-2: "Probably Damaging"; Align-GVGD: "Class C0"). In summary, the available evidence is currently insufficient to determine the role of this variant in disease. Therefore, it has been classified as a Variant of Uncertain Significance.

Literature cited by the submitters: PubMed 31983221 (cited by Ambry Genetics); PubMed 35026164 (cited by Ambry Genetics).

NM_032578.4(MYPN):c.2503C>A (p.Pro835Thr)

Gene: MYPN (myopalladin; plus strand). Cytogenetic location: 10q21.3.
Variant type: single nucleotide variant.
Coding change: c.2503C>A on transcript NM_032578.4 (MANE Select); coding-DNA position 2503, C replaced by A.
Protein change: p.Pro835Thr; replaces proline 835 with threonine.
Molecular consequence: missense variant. On other transcripts: non-coding transcript variant (2).
Genome position (GRCh38, 1-based): chr10:68,174,595, C>A. VCF-style: chr10-68174595-C-A. GRCh37 (hg19) VCF-style: chr10-69934352-C-A.
Other names: c.2503C>A, p.Pro835Thr (NM_001256267.2); c.1621C>A, p.Pro541Thr (NM_001256268.2); short protein forms P835T, P541T.
Identifiers: ClinVar variation 581056 (VCV000581056.11), dbSNP rs1196958004, ClinGen allele CA376847973.
Genomic context (GRCh38, chr10:68,174,595, plus strand): 5'-ATTCCTGTCTCTCCTACCAGCCGGATTCAGAACCCAGTGGCTTTCCTCAGCTCTGTTCTG[C>A]CTTCTCTCCCTGCCATCCCACCCACAAATGCCATGGGGCTGCCTAGAAGTGCACCATCCA-3'
Protein context (NP_115967.2, residues 825-845): NPVAFLSSVL[Pro835Thr]SLPAIPPTNA